The following is an entry in ClinVar:

NM_018368.4(LMBRD1):c.272G>C (p.Arg91Thr)

Gene: LMBRD1 (LMBR1 domain containing 1; minus strand). Cytogenetic location: 6q13.
Variant type: single nucleotide variant.
Coding change: c.272G>C on transcript NM_018368.4 (MANE Select); coding-DNA position 272, G replaced by C.
Protein change: p.Arg91Thr; replaces arginine 91 with threonine.
Molecular consequence: missense variant.
Genome position (GRCh38, 1-based): chr6:69,780,529, C>G on the plus strand (G>C on the coding strand, the complement: LMBRD1 is on the minus strand). VCF-style: chr6-69780529-C-G. GRCh37 (hg19) VCF-style: chr6-70490421-C-G.
Other names: c.53G>C, p.Arg18Thr (NM_001363722.2, NM_001367271.1, NM_001367272.1); short protein forms R18T, R91T.
Identifiers: ClinVar variation 2081179 (VCV002081179.1), dbSNP rs779390344, ClinGen allele CA3879956.
Genomic context (GRCh38, chr6:69,780,529, plus strand): 5'-GGGAAAGAAACTGAAAGATACTTACTATAGTAACCGTATAATACAGTGTCCTCAATCTGT[C>G]TGCTGACATTAGCATTAGCCCAGTCCTAGGATAAAAGGAAACAATAGAAATATTAATGAA-3'
Protein context (NP_060838.3, residues 81-101): FKDWANANVS[Arg91Thr]QIEDTVLYGY

ClinVar aggregate classification (germline): Uncertain significance (1 of 4 stars; one submission).

Conditions:
Methylmalonic aciduria and homocystinuria type cblF. Also called: VITAMIN B12 LYSOSOMAL RELEASE DEFECT; VITAMIN B12 STORAGE DISEASE; COBALAMIN F DISEASE; COBALAMIN, DEFECT IN LYSOSOMAL RELEASE OF; METHYLMALONIC ACIDEMIA AND HOMOCYSTINURIA, cblF TYPE; METHYLMALONIC ACIDURIA DUE TO VITAMIN B12-RELEASE DEFECT. Identifiers: Orphanet 79284, MedGen C1848578, MONDO:0010183, OMIM 277380.

Allele frequency attached by ClinVar (database versions not stated): gnomAD exomes below 0.00001; ExAC 0.00001; gnomAD 0.00001; TOPMed 0.00001.
gnomAD v4.1: 3 of 1,609,782 alleles (0.00019%); highest among the groups gnomAD compares: Non-Finnish European, 0.00026%; no homozygotes.

Submission:

Labcorp Genetics (formerly Invitae), Labcorp
Classification: Uncertain significance for Methylmalonic aciduria and homocystinuria type cblF. Last evaluated: 2022-09-27. Review status: criteria provided, single submitter. Criteria: Invitae Variant Classification Sherloc (09022015). Collection method: clinical testing. Allele origin: germline.
Comment: This sequence change replaces arginine, which is basic and polar, with threonine, which is neutral and polar, at codon 91 of the LMBRD1 protein (p.Arg91Thr). This variant is present in population databases (rs779390344, gnomAD 0.002%). This variant has not been reported in the literature in individuals affected with LMBRD1-related conditions. Advanced modeling of protein sequence and biophysical properties (such as structural, functional, and spatial information, amino acid conservation, physicochemical variation, residue mobility, and thermodynamic stability) performed at Invitae indicates that this missense variant is expected to disrupt LMBRD1 protein function. In summary, the available evidence is currently insufficient to determine the role of this variant in disease. Therefore, it has been classified as a Variant of Uncertain Significance.